The following is an entry in ClinVar:

NM_145728.3(SYNM):c.330C>T (p.Asp110=)

Genes: SYNM (synemin; plus strand), SYNM-AS1 (SYNM antisense RNA 1; minus strand), LOC130058014 (ATAC-STARR-seq lymphoblastoid silent region 6864; plus strand). Cytogenetic location: 15q26.3.
Variant type: single nucleotide variant.
Coding change: c.330C>T on transcript NM_145728.3 (MANE Select); coding-DNA position 330, C replaced by T.
Protein change: p.Asp110=; no amino-acid change (aspartic acid 110 retained).
Molecular consequence: synonymous variant.
Genome position (GRCh38, 1-based): chr15:99,105,529, C>T. VCF-style: chr15-99105529-C-T. GRCh37 (hg19) VCF-style: chr15-99645735-C-T.
Other names: c.330C>T, p.Asp110= (NM_015286.6).
Identifiers: ClinVar variation 3053350 (VCV003053350.2), dbSNP rs1405694567, ClinGen allele CA492680738.

ClinVar aggregate classification (germline): Likely benign (0 of 4 stars; one submission).

Conditions:
SYNM-related disorder. Also called: SYNM-related condition.

Allele frequency attached by ClinVar (database versions not stated): TOPMed 0.00013; gnomAD 0.00015.
gnomAD v4.1: 115 of 1,250,106 alleles (0.0092%); highest among the groups gnomAD compares: Non-Finnish European, 0.011%; no homozygotes.

Submission:

PreventionGenetics, part of Exact Sciences
Classification: Likely benign for SYNM-related condition. Last evaluated: 2022-11-28. Review status: no assertion criteria provided. Collection method: clinical testing. Allele origin: germline.
Comment: This variant is classified as likely benign based on ACMG/AMP sequence variant interpretation guidelines (Richards et al. 2015 PMID: 25741868, with internal and published modifications).